The following is an entry in ClinVar:

ClinVar aggregate classification (germline): Uncertain significance. Review status: criteria provided, multiple submitters, no conflicts (2 of 4 stars). 2 submissions from 2 submitters: Uncertain significance (2). Last evaluated 2023-11-04.

Allele frequency attached by ClinVar (database versions not stated): ESP Exome Variant Server 0.00008.
gnomAD v4.1: 147 of 1,613,192 alleles (0.0091%); highest among the groups gnomAD compares: Non-Finnish European, 0.012%; no homozygotes.

Submissions (2):

Ambry Genetics
Classification: Uncertain significance. Last evaluated: 2023-11-04. Review status: criteria provided, single submitter. Criteria: Ambry Variant Classification Scheme 2023. Collection method: clinical testing. Allele origin: germline.

GeneDx
Classification: Uncertain significance. Last evaluated: 2023-07-28. Review status: criteria provided, single submitter. Criteria: GeneDx Variant Classification Process June 2021. Collection method: clinical testing. Allele origin: germline. Affected: yes.
Comment: In silico analysis supports that this missense variant has a deleterious effect on protein structure/function; Has not been previously published as pathogenic or benign to our knowledge

NM_013291.3(CPSF1):c.3955G>A (p.Ala1319Thr)

Gene: CPSF1 (cleavage and polyadenylation specific factor 1; minus strand). Cytogenetic location: 8q24.3.
Variant type: single nucleotide variant.
Coding change: c.3955G>A on transcript NM_013291.3 (MANE Select); coding-DNA position 3955, G replaced by A.
Protein change: p.Ala1319Thr; replaces alanine 1319 with threonine.
Molecular consequence: missense variant.
Genome position (GRCh38, 1-based): chr8:144,393,943, C>T on the plus strand (G>A on the coding strand, the complement: CPSF1 is on the minus strand). VCF-style: chr8-144393943-C-T. GRCh37 (hg19) VCF-style: chr8-145619158-C-T.
Other names: short protein forms A1319T.
Identifiers: ClinVar variation 3076873 (VCV003076873.2), dbSNP rs375489571, ClinGen allele CA4939329.